The following is an entry in ClinVar:

NM_000256.3(MYBPC3):c.2812G>T (p.Ala938Ser)

Gene: MYBPC3 (myosin binding protein C3; minus strand). Cytogenetic location: 11p11.2.
Variant type: single nucleotide variant.
Coding change: c.2812G>T on transcript NM_000256.3 (MANE Select); coding-DNA position 2812, G replaced by T.
Protein change: p.Ala938Ser; replaces alanine 938 with serine.
Molecular consequence: missense variant.
Genome position (GRCh38, 1-based): chr11:47,335,135, C>A on the plus strand (G>T on the coding strand, the complement: MYBPC3 is on the minus strand). VCF-style: chr11-47335135-C-A. GRCh37 (hg19) VCF-style: chr11-47356686-C-A.
Other names: short protein forms A938S.
Identifiers: ClinVar variation 3075164 (VCV003075164.1), dbSNP rs556390274, ClinGen allele CA078967.

ClinVar aggregate classification (germline): Uncertain significance (1 of 4 stars; one submission).

Conditions:
Hypertrophic cardiomyopathy. Also called: HYPERTROPHIC MYOCARDIOPATHY. Identifiers: Orphanet 217569, MedGen C0007194, MeSH D002312, MONDO:0005045, HP:0001639.

Allele frequency attached by ClinVar (database versions not stated): ExAC 0.00001.

Submission:

All of Us Research Program, National Institutes of Health
Classification: Uncertain significance for Hypertrophic cardiomyopathy. Last evaluated: 2023-12-18. Review status: criteria provided, single submitter. Criteria: ACMG Guidelines, 2015. Collection method: clinical testing. Allele origin: germline. Inheritance: Autosomal dominant inheritance. Observed: 1 variant allele, 1 heterozygote.
Comment: This missense variant replaces alanine with serine at codon 938 of the MYBPC3 protein. Computational prediction indicates that this variant may have a neutral impact on protein structure and function. To our knowledge, functional studies have not been reported for this variant. This variant has not been reported in individuals affected with MYBPC3-related disorders in the literature. This variant has been identified in 1/246990 chromosomes in the general population by the Genome Aggregation Database (gnomAD). The available evidence is insufficient to determine the role of this variant in disease conclusively. Therefore, this variant is classified as a Variant of Uncertain Significance.

This study involves interpretation of variants in research participants for the purpose of population health screening. Participant phenotype was not available at the time of variant classification. Additional details can be found in publication PMID: 35346344, PMCID: PMC8962531